The following is an entry in ClinVar:

ClinVar aggregate classification (germline): Likely pathogenic (1 of 4 stars; one submission).

Conditions:
Leber congenital amaurosis (LCA). Also called: Leber's amaurosis. Identifiers: Orphanet 65, MedGen C0339527, MeSH D057130, MONDO:0018998.

Submission:

Natera, Inc.
Classification: Likely pathogenic for Leber congenital amaurosis. Last evaluated: 2024-05-01. Review status: criteria provided, single submitter. Criteria: Natera Variant Classification Schema (03/2026). Collection method: clinical testing. Allele origin: germline.
Comment: The c.809dupT variant in CEP290 is a frameshift variant predicted to shift the reading frame beginning at codon 271 and leads to a stop codon 27 codons downstream. This variant is expected to result in nonsense mediated decay, truncation, or a dysfunctional protein product. This variant is rare in the general population with a frequency below the threshold expected for the associated phenotype(s). Given the available evidence, this variant is classified as Likely Pathogenic.

NM_025114.4(CEP290):c.809dup (p.Ile271fs)

Gene: CEP290 (centrosomal protein 290; minus strand). Cytogenetic location: 12q21.32.
Variant type: Duplication.
Coding change: c.809dup on transcript NM_025114.4 (MANE Select); coding-DNA position 809, one base duplicated (T; older notation c.809dupT).
Protein change: p.Ile271fs; shifts the reading frame from isoleucine 271.
Molecular consequence: frameshift variant.
Genome position (GRCh38, 1-based): chr12:88,129,737, A duplicated on the plus strand (T on the coding strand, the reverse complement: CEP290 is on the minus strand). VCF-style (leftmost placement, unchanged base first): chr12-88129736-T-TA. GRCh37 (hg19) VCF-style: chr12-88523513-T-TA.
Other names: short protein forms I271fs.
Identifiers: ClinVar variation 4816240 (VCV004816240.1).